The following is an entry in ClinVar:

ClinVar aggregate classification (germline): Benign/Likely benign. Review status: criteria provided, multiple submitters, no conflicts (2 of 4 stars). 12 submissions from 12 submitters: Benign (10); Likely benign (1). 1 of the submissions does not count toward it. Last evaluated 2026-02-04.

Conditions:
Primary ciliary dyskinesia. Also called: Ciliary dyskinesia. Identifiers: Orphanet 244, MedGen C0008780, MONDO:0016575, HP:0012265.
Primary ciliary dyskinesia 3. Identifiers: Orphanet 244, MedGen C1837618, MONDO:0012085, OMIM 608644.

Allele frequency attached by ClinVar (database versions not stated): 1000 Genomes Project 30x 0.46643; 1000 Genomes Project 0.46865; TOPMed 0.47422; gnomAD 0.48682 and 0.48933; ESP Exome Variant Server 0.50169.
gnomAD v4.1: 750,527 of 1,606,262 alleles (47%); highest among the groups gnomAD compares: African/African-American, 57%; 178,262 homozygotes.

Submissions (12):

Labcorp Genetics (formerly Invitae), Labcorp
Classification: Benign for Primary ciliary dyskinesia. Last evaluated: 2026-02-04. Review status: criteria provided, single submitter. Criteria: Invitae Variant Classification Sherloc (09022015). Collection method: clinical testing. Allele origin: germline.

Blueprint Genetics
Classification: Likely benign. Last evaluated: 2024-11-26. Review status: criteria provided, single submitter. Criteria: ACMG Guidelines, 2015. Collection method: clinical testing. Allele origin: germline.

Mayo Clinic Laboratories, Mayo Clinic
Classification: Benign. Last evaluated: 2022-04-26. Review status: criteria provided, single submitter. Criteria: ACMG Guidelines, 2015. Collection method: clinical testing. Allele origin: germline. Observed: 147 variant alleles.

Genome-Nilou Lab
Classification: Benign for Primary ciliary dyskinesia 3. Last evaluated: 2021-07-30. Review status: criteria provided, single submitter. Criteria: ACMG Guidelines, 2015. Collection method: clinical testing. Allele origin: germline. Affected: no.

Pars Genome Lab
Classification: Benign for Primary ciliary dyskinesia 3. Last evaluated: 2021-06-15. Review status: criteria provided, single submitter. Criteria: ACMG Guidelines, 2015. Collection method: clinical testing. Allele origin: germline. Affected: no.

GeneDx
Classification: Benign. Last evaluated: 2018-11-10. Review status: criteria provided, single submitter. Criteria: GeneDx Variant Classification Process June 2021. Collection method: clinical testing. Allele origin: germline. Affected: yes.

Illumina Laboratory Services, Illumina
Classification: Benign for Primary ciliary dyskinesia 3. Last evaluated: 2018-01-13. Review status: criteria provided, single submitter. Criteria: ICSL Variant Classification Criteria 13 December 2019. Collection method: clinical testing. Allele origin: germline.
Comment: This variant was observed in the ICSL laboratory as part of a predisposition screen in an ostensibly healthy population. It had not been previously curated by ICSL or reported in the Human Gene Mutation Database (HGMD: prior to June 1st, 2018), and was therefore a candidate for classification through an automated scoring system. Utilizing variant allele frequency, disease prevalence and penetrance estimates, and inheritance mode, an automated score was calculated to assess if this variant is too frequent to cause the disease. Based on the score and internal cut-off values, a variant classified as benign is not then subjected to further curation. The score for this variant resulted in a classification of benign for this disease.

Ambry Genetics
Classification: Benign for Primary ciliary dyskinesia. Last evaluated: 2014-11-26. Review status: criteria provided, single submitter. Criteria: Ambry Variant Classification Scheme 2023. Collection method: clinical testing. Allele origin: germline.

Laboratory for Molecular Medicine, Mass General Brigham Personalized Medicine
Classification: Benign. Last evaluated: 2013-02-21. Review status: criteria provided, single submitter. Criteria: LMM Criteria. Collection method: clinical testing. Allele origin: germline. Observed: 70 variant alleles.
Comment: Thr1384Thr in exon 27 of DNAH5: This variant is not expected to have clinical si gnificance because it does not alter an amino acid residue and is not located wi thin the splice consensus sequence. It has been identified in 46.7% (4011/8592) of European American chromosomes from a broad population by the NHLBI Exome Sequ encing Project (dbSNP rs7703349).

Breakthrough Genomics
Classification: Benign. Review status: criteria provided, single submitter. Criteria: ACMG Guidelines, 2015. Collection method: not provided. Allele origin: germline. Inheritance: Autosomal recessive inheritance. Affected: yes.

PreventionGenetics, part of Exact Sciences
Classification: Benign. Review status: criteria provided, single submitter. Criteria: ACMG Guidelines, 2015. Collection method: clinical testing. Allele origin: germline.

Natera, Inc.
Classification: Benign for Primary ciliary dyskinesia. Last evaluated: 2020-09-16. Review status: no assertion criteria provided. Collection method: clinical testing. Allele origin: germline. Not counted in ClinVar's aggregate classification.

NM_001369.3(DNAH5):c.4152A>G (p.Thr1384=)

Genes: DNAH5 (dynein axonemal heavy chain 5; minus strand), DNAH5-AS1 (DNAH5 antisense RNA 1; plus strand). Cytogenetic location: 5p15.2.
Variant type: single nucleotide variant.
Coding change: c.4152A>G on transcript NM_001369.3 (MANE Select); coding-DNA position 4152, A replaced by G.
Protein change: p.Thr1384=; no amino-acid change (threonine 1384 retained).
Molecular consequence: synonymous variant.
Genome position (GRCh38, 1-based): chr5:13,865,871, T>C on the plus strand (A>G on the coding strand, the complement: DNAH5 is on the minus strand). VCF-style: chr5-13865871-T-C. GRCh37 (hg19) VCF-style: chr5-13865980-T-C.
Other names: p.Thr1384=.
Identifiers: ClinVar variation 178751 (VCV000178751.31), dbSNP rs7703349, ClinGen allele CA182937.